The following is an entry in ClinVar:

NM_004360.5(CDH1):c.1645G>T (p.Asp549Tyr)

Gene: CDH1 (cadherin 1; plus strand). Cytogenetic location: 16q22.1.
Variant type: single nucleotide variant.
Coding change: c.1645G>T on transcript NM_004360.5 (MANE Select); coding-DNA position 1645, G replaced by T.
Protein change: p.Asp549Tyr; replaces aspartic acid 549 with tyrosine.
Molecular consequence: missense variant. On other transcripts: intron variant (1).
Genome position (GRCh38, 1-based): chr16:68,819,359, G>T. VCF-style: chr16-68819359-G-T. GRCh37 (hg19) VCF-style: chr16-68853262-G-T.
Other names: c.1462G>T, p.Asp488Tyr (NM_001317184.2); c.97G>T, p.Asp33Tyr (NM_001317185.2); c.-254-2642G>T (NM_001317186.2); short protein forms D33Y, D488Y, D549Y.
Identifiers: ClinVar variation 2587428 (VCV002587428.2), dbSNP rs876659525, ClinGen allele CA396465194.
Genomic context (GRCh38, chr16:68,819,359, plus strand): 5'-ACTGCCAACTGGCTGGAGATTAATCCGGACACTGGTGCCATTTCCACTCGGGCTGAGCTG[G>T]ACAGGGAGGATTTTGAGCACGTGAAGAACAGCACGTACACAGCCCTAATCATAGCTACAG-3'
Protein context (NP_004351.1, residues 539-559): TGAISTRAEL[Asp549Tyr]REDFEHVKNS

ClinVar aggregate classification (germline): Uncertain significance (1 of 4 stars; one submission).

Conditions:
Hereditary cancer-predisposing syndrome. Also called: Tumor predisposition; Hereditary Cancer Syndrome; Hereditary neoplastic syndrome; Neoplastic Syndromes, Hereditary. Identifiers: Orphanet 140162, MedGen C0027672, MeSH D009386, MONDO:0015356.

Submission:

Ambry Genetics
Classification: Uncertain significance for Hereditary cancer-predisposing syndrome. Last evaluated: 2023-07-18. Review status: criteria provided, single submitter. Criteria: Ambry Variant Classification Scheme 2023. Collection method: clinical testing. Allele origin: germline.
Comment: The p.D549Y variant (also known as c.1645G>T), located in coding exon 11 of the CDH1 gene, results from a G to T substitution at nucleotide position 1645. The aspartic acid at codon 549 is replaced by tyrosine, an amino acid with highly dissimilar properties. This amino acid position is highly conserved in available vertebrate species. In addition, this alteration is predicted to be deleterious by in silico analysis. Since supporting evidence is limited at this time, the clinical significance of this alteration remains unclear.